The following is an entry in ClinVar:

NM_001384474.1(LOXHD1):c.6112C>T (p.Leu2038=)

Gene: LOXHD1 (lipoxygenase homology PLAT domains 1; minus strand). Cytogenetic location: 18q21.1.
Variant type: single nucleotide variant.
Coding change: c.6112C>T on transcript NM_001384474.1 (MANE Select); coding-DNA position 6112, C replaced by T.
Protein change: p.Leu2038=; no amino-acid change (leucine 2038 retained).
Molecular consequence: synonymous variant.
Genome position (GRCh38, 1-based): chr18:46,485,089, G>A on the plus strand (C>T on the coding strand, the complement: LOXHD1 is on the minus strand). VCF-style: chr18-46485089-G-A. GRCh37 (hg19) VCF-style: chr18-44065052-G-A.
Other names: c.2779C>T, p.Leu927= (NM_001145472.3); c.829C>T, p.Leu277= (NM_001145473.3, NM_001173129.2); c.2491C>T, p.Leu831= (NM_001308013.2); c.5926C>T, p.Leu1976= (NM_144612.7).
Identifiers: ClinVar variation 929970 (VCV000929970.12), dbSNP rs1272576323, ClinGen allele CA503808231.

ClinVar aggregate classification (germline): Likely benign. Review status: criteria provided, multiple submitters, no conflicts (2 of 4 stars). 2 submissions from 2 submitters: Likely benign (2). Last evaluated 2021-11-09.

Allele frequency attached by ClinVar (database versions not stated): gnomAD 0.00001; gnomAD exomes 0.00001; TOPMed 0.00001.
gnomAD v4.1: 22 of 1,550,380 alleles (0.0014%); highest among the groups gnomAD compares: Non-Finnish European, 0.0017%; no homozygotes.

Submissions (2):

Labcorp Genetics (formerly Invitae), Labcorp
Classification: Likely benign. Last evaluated: 2021-11-09. Review status: criteria provided, single submitter. Criteria: Invitae Variant Classification Sherloc (09022015). Collection method: clinical testing. Allele origin: germline.

Laboratory for Molecular Medicine, Mass General Brigham Personalized Medicine
Classification: Likely benign. Last evaluated: 2019-10-11. Review status: criteria provided, single submitter. Criteria: LMM Criteria. Collection method: clinical testing. Allele origin: germline. Observed: 1 variant allele.
Comment: The p.Leu1976Leu variant in LOXHD1 is classified as likely benign because it does not alter an amino acid residue, it is not located within the splice consensus sequence, and splice prediction algorithms do not predict a newly created splice site. ACMG/AMP Criteria applied: BP4, BP7.